The following is an entry in ClinVar:

NM_000053.4(ATP7B):c.1628C>G (p.Ala543Gly)

Gene: ATP7B (ATPase copper transporting beta; minus strand). Cytogenetic location: 13q14.3.
Variant type: single nucleotide variant.
Coding change: c.1628C>G on transcript NM_000053.4 (MANE Select); coding-DNA position 1628, C replaced by G.
Protein change: p.Ala543Gly; replaces alanine 543 with glycine.
Molecular consequence: missense variant.
Genome position (GRCh38, 1-based): chr13:51,968,523, G>C on the plus strand (C>G on the coding strand, the complement: ATP7B is on the minus strand). VCF-style: chr13-51968523-G-C. GRCh37 (hg19) VCF-style: chr13-52542659-G-C.
Other names: c.1628C>G, p.Ala543Gly (NM_001005918.3, NM_001330578.2, NM_001330579.2); c.1295C>G, p.Ala432Gly (NM_001243182.2); short protein forms A432G, A543G.
Identifiers: ClinVar variation 662941 (VCV000662941.10), dbSNP rs777096464, ClinGen allele CA6989288.

ClinVar aggregate classification (germline): Uncertain significance. Review status: criteria provided, multiple submitters, no conflicts (2 of 4 stars). 5 submissions from 5 submitters: Uncertain significance (4). 1 of the submissions does not count toward it. Last evaluated 2024-12-20.

Conditions:
Wilson disease (WND). Also called: Wilson's disease. Identifiers: Orphanet 905, MedGen C0019202, MONDO:0010200, OMIM 277900. Disease mechanism: loss of function.

Allele frequency attached by ClinVar (database versions not stated): gnomAD exomes 0.00007 and 0.00016; TOPMed 0.00007; ExAC 0.00015.
gnomAD v4.1: 44 of 1,614,160 alleles (0.0027%); highest among the groups gnomAD compares: Admixed American, 0.073%; no homozygotes.

Submissions (5):

Labcorp Genetics (formerly Invitae), Labcorp
Classification: Uncertain significance for Wilson disease. Last evaluated: 2024-12-20. Review status: criteria provided, single submitter. Criteria: Invitae Variant Classification Sherloc (09022015). Collection method: clinical testing. Allele origin: germline.
Comment: This sequence change replaces alanine, which is neutral and non-polar, with glycine, which is neutral and non-polar, at codon 543 of the ATP7B protein (p.Ala543Gly). This variant is present in population databases (rs777096464, gnomAD 0.1%). This variant has not been reported in the literature in individuals affected with ATP7B-related conditions. ClinVar contains an entry for this variant (Variation ID: 662941). Invitae Evidence Modeling of protein sequence and biophysical properties (such as structural, functional, and spatial information, amino acid conservation, physicochemical variation, residue mobility, and thermodynamic stability) indicates that this missense variant is not expected to disrupt ATP7B protein function with a negative predictive value of 80%. In summary, the available evidence is currently insufficient to determine the role of this variant in disease. Therefore, it has been classified as a Variant of Uncertain Significance.

GeneDx
Classification: Uncertain significance. Last evaluated: 2024-11-07. Review status: criteria provided, single submitter. Criteria: GeneDx Variant Classification Process June 2021. Collection method: clinical testing. Allele origin: germline. Affected: yes.
Comment: In silico analysis supports that this missense variant has a deleterious effect on protein structure/function; Has not been previously published as pathogenic or benign to our knowledge

Color Diagnostics, LLC DBA Color Health
Classification: Uncertain significance for Wilson disease. Last evaluated: 2023-06-09. Review status: criteria provided, single submitter. Criteria: ACMG Guidelines, 2015. Collection method: clinical testing. Allele origin: germline.
Comment: This missense variant replaces alanine with glycine at codon 543 of the ATP7B protein. Computational prediction is inconclusive regarding the impact of this variant on protein structure and function. To our knowledge, functional studies have not been reported for this variant. This variant has not been reported in individuals affected with ATP7B-related disorders in the literature. This variant has been identified in 40/249490 chromosomes in the general population by the Genome Aggregation Database (gnomAD). The available evidence is insufficient to determine the role of this variant in disease conclusively. Therefore, this variant is classified as a Variant of Uncertain Significance.

Fulgent Genetics
Classification: Uncertain significance for Wilson disease. Last evaluated: 2022-02-07. Review status: criteria provided, single submitter. Criteria: ACMG Guidelines, 2015. Collection method: clinical testing. Allele origin: unknown.

Natera, Inc.
Classification: Uncertain significance for Wilson disease. Last evaluated: 2020-09-16. Review status: no assertion criteria provided. Collection method: clinical testing. Allele origin: germline. Not counted in ClinVar's aggregate classification.